The following is an entry in ClinVar:

NM_000321.3(RB1):c.1489A>G (p.Thr497Ala)

Gene: RB1 (RB transcriptional corepressor 1; plus strand). Cytogenetic location: 13q14.2.
Variant type: single nucleotide variant.
Coding change: c.1489A>G on transcript NM_000321.3 (MANE Select); coding-DNA position 1489, A replaced by G.
Protein change: p.Thr497Ala; replaces threonine 497 with alanine.
Molecular consequence: missense variant.
Genome position (GRCh38, 1-based): chr13:48,380,232, A>G. VCF-style: chr13-48380232-A-G. GRCh37 (hg19) VCF-style: chr13-48954368-A-G.
Other names: short protein forms T497A.
Identifiers: ClinVar variation 458125 (VCV000458125.13), dbSNP rs776531398, ClinGen allele CA028922.

ClinVar aggregate classification (germline): Uncertain significance. Review status: criteria provided, multiple submitters, no conflicts (2 of 4 stars). 2 submissions from 2 submitters: Uncertain significance (2). Last evaluated 2025-03-04.

Conditions:
Retinoblastoma (RB1). Also called: RETINOBLASTOMA, SOMATIC. Identifiers: Orphanet 790, MedGen C0035335, MeSH D012175, MONDO:0008380, OMIM 180200, HP:0009919. Disease mechanism: loss of function. Inheritance: Both sporadic and heritable forms are tested..

Allele frequency attached by ClinVar (database versions not stated): ExAC 0.00001; gnomAD 0.00001; gnomAD exomes 0.00001 and below 0.00001.
gnomAD v4.1: 4 of 1,596,988 alleles (0.00025%); highest among the groups gnomAD compares: Non-Finnish European, 0.00034%; no homozygotes.

Submissions (2):

Center for Genomic Medicine, Rigshospitalet, Copenhagen University Hospital
Classification: Uncertain significance. Last evaluated: 2025-03-04. Review status: criteria provided, single submitter. Criteria: ACMG Guidelines, 2015. Collection method: clinical testing. Allele origin: germline.

Labcorp Genetics (formerly Invitae), Labcorp
Classification: Uncertain significance for Retinoblastoma. Last evaluated: 2020-08-25. Review status: criteria provided, single submitter. Criteria: Invitae Variant Classification Sherloc (09022015). Collection method: clinical testing. Allele origin: germline.
Comment: This sequence change replaces threonine with alanine at codon 497 of the RB1 protein (p.Thr497Ala). The threonine residue is highly conserved and there is a small physicochemical difference between threonine and alanine. This variant is present in population databases (rs776531398, ExAC 0.002%) but has not been reported in the literature in individuals with a RB1-related disease. Algorithms developed to predict the effect of missense changes on protein structure and function (SIFT, PolyPhen-2, Align-GVGD) all suggest that this variant is likely to be disruptive, but these predictions have not been confirmed by published functional studies. In summary, this variant is a rare missense change with uncertain impact on protein function. There is no indication that it causes disease, but the available evidence is currently insufficient to prove that conclusively. Therefore, it has been classified as a Variant of Uncertain Significance.